The following is an entry in ClinVar:

NM_001352514.2(HLCS):c.1156C>T (p.Gln386Ter)

Gene: HLCS (holocarboxylase synthetase; minus strand). Cytogenetic location: 21q22.13.
Variant type: single nucleotide variant.
Coding change: c.1156C>T on transcript NM_001352514.2 (MANE Select); coding-DNA position 1156, C replaced by T.
Protein change: p.Gln386Ter; replaces glutamine 386 with a stop codon.
Molecular consequence: nonsense. On other transcripts: non-coding transcript variant (2).
Genome position (GRCh38, 1-based): chr21:36,936,730, G>A on the plus strand (C>T on the coding strand, the complement: HLCS is on the minus strand). VCF-style: chr21-36936730-G-A. GRCh37 (hg19) VCF-style: chr21-38309030-G-A.
Other names: c.715C>T, p.Gln239Ter (NM_000411.8, NM_001242784.3, NM_001242785.2 and 4 more transcripts); short protein forms Q239*, Q386*.
Identifiers: ClinVar variation 1075159 (VCV001075159.7), dbSNP rs2146525207, ClinGen allele CA409912452.

ClinVar aggregate classification (germline): Pathogenic (1 of 4 stars; one submission).

Conditions:
Holocarboxylase synthetase deficiency. Also called: MULTIPLE CARBOXYLASE DEFICIENCY, EARLY ONSET. Identifiers: Orphanet 79242, MedGen C0268581, MONDO:0009666, OMIM 253270.

Submission:

Labcorp Genetics (formerly Invitae), Labcorp
Classification: Pathogenic for Holocarboxylase synthetase deficiency. Last evaluated: 2020-05-08. Review status: criteria provided, single submitter. Criteria: Invitae Variant Classification Sherloc (09022015). Collection method: clinical testing. Allele origin: germline.
Comment: For these reasons, this variant has been classified as Pathogenic. Loss-of-function variants in HLCS are known to be pathogenic (PMID: 16134170). This variant has not been reported in the literature in individuals with HLCS-related conditions. This variant is not present in population databases (ExAC no frequency). This sequence change creates a premature translational stop signal (p.Gln239*) in the HLCS gene. It is expected to result in an absent or disrupted protein product.

Literature cited by the submitters: PubMed 16134170.